The following is an entry in ClinVar:

NM_017988.6(SCYL2):c.97del (p.Asp33fs)

Gene: SCYL2 (SCY1 like pseudokinase 2; plus strand). Cytogenetic location: 12q23.1.
Variant type: Deletion.
Coding change: c.97del on transcript NM_017988.6 (MANE Select); coding-DNA position 97, one base deleted (G; older notation c.97delG).
Protein change: p.Asp33fs; shifts the reading frame from aspartic acid 33.
Molecular consequence: frameshift variant. On other transcripts: 5 prime UTR variant (1).
Genome position (GRCh38, 1-based): chr12:100,283,067, G deleted. VCF-style (leftmost placement, unchanged base first): chr12-100283066-TG-T. GRCh37 (hg19) VCF-style: chr12-100676844-TG-T.
Other names: c.97del, p.Asp33fs (NM_001317784.2, NM_001330253.2, NM_001330254.2); c.-559del (NM_001330256.2); short protein forms D33fs.
Identifiers: ClinVar variation 1308643 (VCV001308643.2), dbSNP rs2135832560, ClinGen allele CA2573053581.
Genomic context (GRCh38, chr12:100,283,066, plus strand): 5'-TACAAAAGTAACAGCTGATGTCACTAGTGCTGTAATGGGAAATCCTGTCACTAGAGAATT[TG>T]ATGTTGGTCGACACATTGCCAGTGGTGGCAATGGGCTAGCTTGGAAGATTTTTAATGGCA-3'

ClinVar aggregate classification (germline): Likely pathogenic (1 of 4 stars; one submission).

Conditions:
Arthrogryposis multiplex congenita 4, neurogenic, with agenesis of the corpus callosum. Also called: ZAIN SYNDROME; ARTHROGRYPOSIS MULTIPLEX CONGENITA, NEUROGENIC, WITH AGENESIS OF THE CORPUS CALLOSUM. Identifiers: MedGen C5231494, MONDO:0032903, OMIM 618766.

Submission:

Equipe Genetique des Anomalies du Developpement, Université de Bourgogne
Classification: Likely pathogenic for Arthrogryposis multiplex congenita 4, neurogenic, with agenesis of the corpus callosum. Last evaluated: 2021-05-26. Review status: criteria provided, single submitter. Criteria: ACMG Guidelines, 2015. Collection method: clinical testing. Allele origin: paternal. Inheritance: Autosomal recessive inheritance. Affected: yes.
Comment: This variant was observed in compound heterozygosity with variant c.176dup

Literature cited by the submitters: PubMed 31960134.